The following is an entry in ClinVar:

NM_014956.5(CEP164):c.2689C>T (p.Arg897Ter)

Gene: CEP164 (centrosomal protein 164; plus strand). Cytogenetic location: 11q23.3.
Variant type: single nucleotide variant.
Coding change: c.2689C>T on transcript NM_014956.5 (MANE Select); coding-DNA position 2689, C replaced by T.
Protein change: p.Arg897Ter; replaces arginine 897 with a stop codon.
Molecular consequence: nonsense.
Genome position (GRCh38, 1-based): chr11:117,394,422, C>T. VCF-style: chr11-117394422-C-T. GRCh37 (hg19) VCF-style: chr11-117265138-C-T.
Other names: c.2698C>T, p.Arg900Ter (NM_001271933.2); short protein forms R897*, R900*.
Identifiers: ClinVar variation 571715 (VCV000571715.10), dbSNP rs764893412, ClinGen allele CA6295184.

ClinVar aggregate classification (germline): Pathogenic/Likely pathogenic. Review status: criteria provided, multiple submitters, no conflicts (2 of 4 stars). 4 submissions from 4 submitters: Pathogenic (1); Likely pathogenic (3). Last evaluated 2026-03-09.

Conditions:
Nephronophthisis 15 (NPHP15). Identifiers: Orphanet 3156, MedGen C3541853, MONDO:0013917, OMIM 614845.
CEP164-related disorder. Also called: CEP164-related condition.

Allele frequency attached by ClinVar (database versions not stated): ExAC 0.00001; gnomAD exomes 0.00001; gnomAD 0.00002; TOPMed 0.00005.
gnomAD v4.1: 17 of 1,613,736 alleles (0.0011%); highest among the groups gnomAD compares: Admixed American, 0.0033%; no homozygotes.

Submissions (4):

PreventionGenetics, part of Exact Sciences
Classification: Likely pathogenic for CEP164-related condition. Last evaluated: 2026-03-09. Review status: criteria provided, single submitter. Criteria: ACMG Guidelines, 2015. Collection method: clinical testing. Allele origin: germline.
Comment: The CEP164 c.2689C>T variant is predicted to result in premature protein termination (p.Arg897*). To our knowledge, this variant has not been reported in individuals with CEP164-related disease. This variant is reported in 0.0066% of alleles in individuals of South Asian descent in gnomAD. Nonsense variants in CEP164 are expected to be pathogenic. This variant is interpreted as likely pathogenic.

Labcorp Genetics (formerly Invitae), Labcorp
Classification: Pathogenic for Nephronophthisis 15. Last evaluated: 2025-12-23. Review status: criteria provided, single submitter. Criteria: Invitae Variant Classification Sherloc (09022015). Collection method: clinical testing. Allele origin: germline.
Comment: This sequence change creates a premature translational stop signal (p.Arg897*) in the CEP164 gene. It is expected to result in an absent or disrupted protein product. Loss-of-function variants in CEP164 are known to be pathogenic (PMID: 22863007, 28125082, 32367404, 34132027, 34499853). This variant is present in population databases (rs764893412, gnomAD 0.007%). This variant has not been reported in the literature in individuals affected with CEP164-related conditions. ClinVar contains an entry for this variant (Variation ID: 571715). For these reasons, this variant has been classified as Pathogenic.

Blueprint Genetics
Classification: Likely pathogenic for CEP164-related disorders. Last evaluated: 2024-09-23. Review status: criteria provided, single submitter. Criteria: ACMG Guidelines, 2015. Collection method: clinical testing. Allele origin: germline. Affected: yes. Observed: 2 variant alleles.

Fulgent Genetics
Classification: Likely pathogenic for Nephronophthisis 15. Last evaluated: 2024-03-19. Review status: criteria provided, single submitter. Criteria: ACMG Guidelines, 2015. Collection method: clinical testing. Allele origin: germline.

Literature cited by the submitters: PubMed 22863007 (cited by Labcorp Genetics (formerly Invitae), Labcorp); PubMed 28125082 (cited by Labcorp Genetics (formerly Invitae), Labcorp); PubMed 32367404 (cited by Labcorp Genetics (formerly Invitae), Labcorp); PubMed 34132027 (cited by Labcorp Genetics (formerly Invitae), Labcorp); PubMed 34499853 (cited by Labcorp Genetics (formerly Invitae), Labcorp).